The following is an entry in ClinVar:

NM_015338.6(ASXL1):c.840C>G (p.Phe280Leu)

Gene: ASXL1 (ASXL transcriptional regulator 1; plus strand). Cytogenetic location: 20q11.21.
Variant type: single nucleotide variant.
Coding change: c.840C>G on transcript NM_015338.6 (MANE Select); coding-DNA position 840, C replaced by G.
Protein change: p.Phe280Leu; replaces phenylalanine 280 with leucine.
Molecular consequence: missense variant.
Genome position (GRCh38, 1-based): chr20:32,431,442, C>G. VCF-style: chr20-32431442-C-G. GRCh37 (hg19) VCF-style: chr20-31019245-C-G.
Other names: c.657C>G, p.Phe219Leu (NM_001363734.1); short protein forms F219L, F280L.
Identifiers: ClinVar variation 3956575 (VCV003956575.1).

ClinVar aggregate classification (germline): Uncertain significance (1 of 4 stars; one submission).

Conditions:
Inborn genetic diseases. Identifiers: MedGen C0950123, MeSH D030342.

gnomAD v4.1: 1 of 1,614,222 alleles (0.000062%); highest among the groups gnomAD compares: Non-Finnish European, 0.000085%; no homozygotes.

Submission:

Ambry Genetics
Classification: Uncertain significance for Inborn genetic diseases. Last evaluated: 2025-05-02. Review status: criteria provided, single submitter. Criteria: Ambry Variant Classification Scheme 2023. Collection method: clinical testing. Allele origin: germline.
Comment: The p.F280L variant (also known as c.840C>G), located in coding exon 9 of the ASXL1 gene, results from a C to G substitution at nucleotide position 840. The phenylalanine at codon 280 is replaced by leucine, an amino acid with highly similar properties. This amino acid position is conserved. In addition, this alteration is predicted to be tolerated by in silico analysis. Based on the available evidence, the clinical significance of this variant remains unclear.